The following is an entry in ClinVar:

NM_000719.7(CACNA1C):c.2961-5C>T

Gene: CACNA1C (calcium voltage-gated channel subunit alpha1 C; plus strand). Cytogenetic location: 12p13.33.
Variant type: single nucleotide variant.
Coding change: c.2961-5C>T on transcript NM_000719.7 (MANE Select); 5 bases into the intron before coding-DNA position 2961, C replaced by T.
Molecular consequence: intron variant.
Genome position (GRCh38, 1-based): chr12:2,605,076, C>T. VCF-style: chr12-2605076-C-T. GRCh37 (hg19) VCF-style: chr12-2714242-C-T.
Other names: c.2961-5C>T (NM_001129837.2, NM_001129839.2, NM_001129836.2 and 15 more transcripts); c.2952-5C>T (NM_001129844.2); c.3021-5C>T (NM_199460.4, NM_001129827.2, NM_001129832.2).
Identifiers: ClinVar variation 382005 (VCV000382005.16), dbSNP rs781703710, ClinGen allele CA6389125.

ClinVar aggregate classification (germline): Benign/Likely benign. Review status: criteria provided, multiple submitters, no conflicts (2 of 4 stars). 4 submissions from 4 submitters: Benign (1); Likely benign (3). Last evaluated 2025-10-13.

Conditions:
Long QT syndrome (LQTS). Identifiers: MedGen C0023976, MeSH D008133, MONDO:0002442. Disease mechanism: loss of function. Inheritance: Various modes of inheritance.
Cardiovascular phenotype. Identifiers: MedGen CN230736.

Allele frequency attached by ClinVar (database versions not stated): ExAC 0.00002; gnomAD exomes 0.00002; gnomAD 0.00003; TOPMed 0.00003.
gnomAD v4.1: 31 of 1,612,258 alleles (0.0019%); highest among the groups gnomAD compares: Middle Eastern, 0.033%; no homozygotes.

Submissions (4):

Labcorp Genetics (formerly Invitae), Labcorp
Classification: Likely benign for Long QT syndrome. Last evaluated: 2025-10-13. Review status: criteria provided, single submitter. Criteria: Invitae Variant Classification Sherloc (09022015). Collection method: clinical testing. Allele origin: germline.

Blueprint Genetics
Classification: Likely benign. Last evaluated: 2024-11-23. Review status: criteria provided, single submitter. Criteria: ACMG Guidelines, 2015. Collection method: clinical testing. Allele origin: germline.

Ambry Genetics
Classification: Benign for Cardiovascular phenotype. Last evaluated: 2024-04-25. Review status: criteria provided, single submitter. Criteria: Ambry Variant Classification Scheme 2023. Collection method: clinical testing. Allele origin: germline.

GeneDx
Classification: Likely benign. Last evaluated: 2015-12-04. Review status: criteria provided, single submitter. Criteria: GeneDx Variant Classification (06012015). Collection method: clinical testing. Allele origin: germline. Affected: yes.
Comment: This variant is considered likely benign or benign based on one or more of the following criteria: it is a conservative change, it occurs at a poorly conserved position in the protein, it is predicted to be benign by multiple in silico algorithms, and/or has population frequency not consistent with disease.